The following is an entry in ClinVar:

ClinVar aggregate classification (germline): Uncertain significance (1 of 4 stars; one submission).

Conditions:
Inborn genetic diseases. Identifiers: MedGen C0950123, MeSH D030342.

Submission:

Ambry Genetics
Classification: Uncertain significance for Inborn genetic diseases. Last evaluated: 2023-03-03. Review status: criteria provided, single submitter. Criteria: Ambry Variant Classification Scheme 2023. Collection method: clinical testing. Allele origin: germline.
Comment: The p.I106N variant (also known as c.317T>A), located in coding exon 3 of the GSS gene, results from a T to A substitution at nucleotide position 317. The isoleucine at codon 106 is replaced by asparagine, an amino acid with dissimilar properties. This amino acid position is conserved. In addition, this alteration is predicted to be deleterious by in silico analysis. Since supporting evidence is limited at this time, the clinical significance of this alteration remains unclear.

NM_000178.4(GSS):c.317T>A (p.Ile106Asn)

Gene: GSS (glutathione synthetase; minus strand). Cytogenetic location: 20q11.22.
Variant type: single nucleotide variant.
Coding change: c.317T>A on transcript NM_000178.4 (MANE Select); coding-DNA position 317, T replaced by A.
Protein change: p.Ile106Asn; replaces isoleucine 106 with asparagine.
Molecular consequence: missense variant.
Genome position (GRCh38, 1-based): chr20:34,942,965, A>T on the plus strand (T>A on the coding strand, the complement: GSS is on the minus strand). VCF-style: chr20-34942965-A-T. GRCh37 (hg19) VCF-style: chr20-33530768-A-T.
Other names: c.317T>A, p.Ile106Asn (NM_001322494.1, NM_001322495.1); short protein forms I106N.
Identifiers: ClinVar variation 3230486 (VCV003230486.1), dbSNP rs2519033366, ClinGen allele CA408704869.